The following is an entry in ClinVar:

ClinVar aggregate classification (germline): Uncertain significance. Review status: criteria provided, multiple submitters, no conflicts (2 of 4 stars). 3 submissions from 3 submitters: Uncertain significance (3). Last evaluated 2025-03-26.

Conditions:
Primary ciliary dyskinesia. Also called: Ciliary dyskinesia. Identifiers: Orphanet 244, MedGen C0008780, MONDO:0016575, HP:0012265.

Allele frequency attached by ClinVar (database versions not stated): TOPMed 0.00004; gnomAD exomes 0.00005; gnomAD 0.00007.
gnomAD v4.1: 67 of 1,315,836 alleles (0.0051%); highest among the groups gnomAD compares: Non-Finnish European, 0.0061%; no homozygotes.

Submissions (3):

Ambry Genetics
Classification: Uncertain significance for Primary ciliary dyskinesia. Last evaluated: 2025-03-26. Review status: criteria provided, single submitter. Criteria: Ambry Variant Classification Scheme 2023. Collection method: clinical testing. Allele origin: germline.

Mayo Clinic Laboratories, Mayo Clinic
Classification: Uncertain significance. Last evaluated: 2024-01-03. Review status: criteria provided, single submitter. Criteria: ACMG Guidelines, 2015. Collection method: clinical testing. Allele origin: germline. Observed: 1 variant allele.
Comment: BP4, BP5

Labcorp Genetics (formerly Invitae), Labcorp
Classification: Uncertain significance for Primary ciliary dyskinesia. Last evaluated: 2022-09-01. Review status: criteria provided, single submitter. Criteria: Invitae Variant Classification Sherloc (09022015). Collection method: clinical testing. Allele origin: germline.
Comment: This sequence change replaces glycine, which is neutral and non-polar, with arginine, which is basic and polar, at codon 150 of the DNAAF5 protein (p.Gly150Arg). This variant is present in population databases (no rsID available, gnomAD 0.01%). This variant has not been reported in the literature in individuals affected with DNAAF5-related conditions. ClinVar contains an entry for this variant (Variation ID: 567844). Algorithms developed to predict the effect of missense changes on protein structure and function output the following: SIFT: "Tolerated"; PolyPhen-2: "Benign"; Align-GVGD: "Class C0". The arginine amino acid residue is found in multiple mammalian species, which suggests that this missense change does not adversely affect protein function. In summary, the available evidence is currently insufficient to determine the role of this variant in disease. Therefore, it has been classified as a Variant of Uncertain Significance.

NM_017802.4(DNAAF5):c.448G>C (p.Gly150Arg)

Genes: PRKAR1B (protein kinase cAMP-dependent type I regulatory subunit beta; minus strand), DNAAF5 (dynein axonemal assembly factor 5; plus strand). Cytogenetic location: 7p22.3.
Variant type: single nucleotide variant.
Coding change: c.448G>C on transcript NM_017802.4 (MANE Select); coding-DNA position 448, G replaced by C.
Protein change: p.Gly150Arg; replaces glycine 150 with arginine.
Molecular consequence: missense variant. On other transcripts: non-coding transcript variant (1), intron variant (3).
Genome position (GRCh38, 1-based): chr7:727,168, G>C. VCF-style: chr7-727168-G-C. GRCh37 (hg19) VCF-style: chr7-766805-G-C.
Other names: p.Gly150Arg; c.-23+487C>G (NM_001164759.1); c.-23+422C>G (NM_001164758.2); c.-23+42C>G (NM_001164760.2); short protein forms G150R.
Identifiers: ClinVar variation 567844 (VCV000567844.10), dbSNP rs1462634117, ClinGen allele CA366530685.